The following is an entry in ClinVar:

NM_001005337.3(PKP1):c.*673G>T

Gene: PKP1 (plakophilin 1; plus strand). Cytogenetic location: 1q32.1.
Variant type: single nucleotide variant.
Coding change: c.*673G>T on transcript NM_001005337.3 (MANE Select); 673 bases downstream of the stop codon, G replaced by T.
Molecular consequence: 3 prime UTR variant.
Genome position (GRCh38, 1-based): chr1:201,330,714, G>T. VCF-style: chr1-201330714-G-T. GRCh37 (hg19) VCF-style: chr1-201299842-G-T.
Other names: c.*673G>T (NM_000299.4).
Identifiers: ClinVar variation 294850 (VCV000294850.6), dbSNP rs74504311, ClinGen allele CA10608787.
Genomic context (GRCh38, chr1:201,330,714, plus strand): 5'-CCCACTTACAAGGCTGCTTTCCAGGAAGGGAGGTCTGGTGTATCTCATGGGAGAATCTGG[G>T]GTGTCTGTAATGTCACCCCTCCAGCAGCGCCACAAGGACTGAGGTTGGGTAGGTGTGGGG-3'

ClinVar aggregate classification (germline): Benign. Review status: criteria provided, multiple submitters, no conflicts (2 of 4 stars). 2 submissions from 2 submitters: Benign (2). Last evaluated 2018-01-12.

Conditions:
Epidermolysis bullosa simplex due to plakophilin deficiency. Also called: MCGRATH SYNDROME. Identifiers: Orphanet 158668, MedGen C1858302, MONDO:0011472, OMIM 604536.

Allele frequency attached by ClinVar (database versions not stated): gnomAD exomes 0.14000; TOPMed 0.14814; 1000 Genomes Project 0.16254; 1000 Genomes Project 30x 0.16552.
gnomAD v4.1: 22,339 of 152,182 alleles (15%); highest among the groups gnomAD compares: African/African-American, 26%; 2,091 homozygotes.

Submissions (2):

Illumina Laboratory Services, Illumina
Classification: Benign for Epidermolysis bullosa simplex due to plakophilin deficiency. Last evaluated: 2018-01-12. Review status: criteria provided, single submitter. Criteria: ICSL Variant Classification Criteria 13 December 2019. Collection method: clinical testing. Allele origin: germline.
Comment: This variant was observed in the ICSL laboratory as part of a predisposition screen in an ostensibly healthy population. It had not been previously curated by ICSL or reported in the Human Gene Mutation Database (HGMD: prior to June 1st, 2018), and was therefore a candidate for classification through an automated scoring system. Utilizing variant allele frequency, disease prevalence and penetrance estimates, and inheritance mode, an automated score was calculated to assess if this variant is too frequent to cause the disease. Based on the score and internal cut-off values, a variant classified as benign is not then subjected to further curation. The score for this variant resulted in a classification of benign for this disease.

Breakthrough Genomics
Classification: Benign. Review status: criteria provided, single submitter. Criteria: ACMG Guidelines, 2015. Collection method: not provided. Allele origin: germline. Inheritance: Autosomal recessive inheritance. Affected: yes.